The following is an entry in ClinVar:

NM_002303.6(LEPR):c.2674-5925A>G

Gene: LEPR (leptin receptor; plus strand). Cytogenetic location: 1p31.3.
Variant type: single nucleotide variant.
Coding change: c.2674-5925A>G on transcript NM_002303.6 (MANE Select); 5925 bases into the intron before coding-DNA position 2674, A replaced by G.
Molecular consequence: intron variant. On other transcripts: missense variant (2).
Genome position (GRCh38, 1-based): chr1:65,630,266, A>G. VCF-style: chr1-65630266-A-G. GRCh37 (hg19) VCF-style: chr1-66095949-A-G.
Other names: c.2738A>G, p.His913Arg (NM_001003680.3, NM_001198687.2); c.2674-2886A>G (NM_001003679.3, NM_001198689.2); short protein forms H913R.
Identifiers: ClinVar variation 4985726 (VCV004985726.1).

ClinVar aggregate classification (germline): Uncertain significance (1 of 4 stars; one submission).

Conditions:
LEPR-related disorder. Also called: LEPR-related disorders; LEPR-related condition.

gnomAD v4.1: 3 of 343,628 alleles (0.00087%); highest among the groups gnomAD compares: Non-Finnish European, 0.0017%; no homozygotes.

Submission:

PreventionGenetics, part of Exact Sciences
Classification: Uncertain significance for LEPR-related condition. Last evaluated: 2026-04-13. Review status: criteria provided, single submitter. Criteria: ACMG Guidelines, 2015. Collection method: clinical testing. Allele origin: germline.
Comment: The LEPR c.2738A>G variant is predicted to result in the amino acid substitution p.His913Arg. To our knowledge, this variant has not been reported in the literature. This variant is reported in 0.0062% of alleles in individuals of European (Non-Finnish) descent in gnomAD. At this time, the clinical significance of this variant is uncertain due to the absence of conclusive functional and genetic evidence.